The following is an entry in ClinVar:

NM_006231.4(POLE):c.1745T>G (p.Leu582Arg)

Gene: POLE (DNA polymerase epsilon, catalytic subunit; minus strand). Cytogenetic location: 12q24.33.
Variant type: single nucleotide variant.
Coding change: c.1745T>G on transcript NM_006231.4 (MANE Select); coding-DNA position 1745, T replaced by G.
Protein change: p.Leu582Arg; replaces leucine 582 with arginine.
Molecular consequence: missense variant.
Genome position (GRCh38, 1-based): chr12:132,672,264, A>C on the plus strand (T>G on the coding strand, the complement: POLE is on the minus strand). VCF-style: chr12-132672264-A-C. GRCh37 (hg19) VCF-style: chr12-133248850-A-C.
Other names: short protein forms L582R.
Identifiers: ClinVar variation 3422240 (VCV003422240.1).

ClinVar aggregate classification (germline): Uncertain significance (1 of 4 stars; one submission).

Conditions:
Hereditary cancer-predisposing syndrome. Also called: Neoplastic Syndromes, Hereditary; Tumor predisposition; Hereditary Cancer Syndrome; Hereditary neoplastic syndrome. Identifiers: Orphanet 140162, MedGen C0027672, MeSH D009386, MONDO:0015356.

Submission:

Ambry Genetics
Classification: Uncertain significance for Hereditary cancer-predisposing syndrome. Last evaluated: 2024-12-08. Review status: criteria provided, single submitter. Criteria: Ambry Variant Classification Scheme 2023. Collection method: clinical testing. Allele origin: germline.
Comment: The p.L582R variant (also known as c.1745T>G), located in coding exon 16 of the POLE gene, results from a T to G substitution at nucleotide position 1745. The leucine at codon 582 is replaced by arginine, an amino acid with dissimilar properties. This amino acid position is conserved. In addition, this alteration is predicted to be tolerated by in silico analysis. Based on the available evidence, the clinical significance of this variant remains unclear.